The following is an entry in ClinVar:

ClinVar aggregate classification (germline): Uncertain significance. Review status: criteria provided, multiple submitters, no conflicts (2 of 4 stars). 2 submissions from 2 submitters: Uncertain significance (2). Last evaluated 2024-11-22.

Allele frequency attached by ClinVar (database versions not stated): gnomAD exomes below 0.00001; gnomAD 0.00001; ExAC 0.00002.
gnomAD v4.1: 4 of 1,608,304 alleles (0.00025%); highest among the groups gnomAD compares: Admixed American, 0.005%; no homozygotes.

Submissions (2):

Ambry Genetics
Classification: Uncertain significance. Last evaluated: 2024-11-22. Review status: criteria provided, single submitter. Criteria: Ambry Variant Classification Scheme 2023. Collection method: clinical testing. Allele origin: germline.
Comment: The p.A447V variant (also known as c.1340C>T), located in coding exon 12 of the GEN1 gene, results from a C to T substitution at nucleotide position 1340. The alanine at codon 447 is replaced by valine, an amino acid with similar properties. This amino acid position is conserved. In addition, this alteration is predicted to be tolerated by in silico analysis. Based on the available evidence, the clinical significance of this variant remains unclear.

Labcorp Genetics (formerly Invitae), Labcorp
Classification: Uncertain significance. Last evaluated: 2022-07-06. Review status: criteria provided, single submitter. Criteria: Invitae Variant Classification Sherloc (09022015). Collection method: clinical testing. Allele origin: germline.
Comment: In summary, the available evidence is currently insufficient to determine the role of this variant in disease. Therefore, it has been classified as a Variant of Uncertain Significance. Algorithms developed to predict the effect of missense changes on protein structure and function (SIFT, PolyPhen-2, Align-GVGD) all suggest that this variant is likely to be tolerated. This variant has not been reported in the literature in individuals affected with GEN1-related conditions. This variant is present in population databases (rs774634942, gnomAD 0.006%). This sequence change replaces alanine, which is neutral and non-polar, with valine, which is neutral and non-polar, at codon 447 of the GEN1 protein (p.Ala447Val).

NM_001130009.3(GEN1):c.1340C>T (p.Ala447Val)

Gene: GEN1 (GEN1 structure-specific endonuclease; plus strand). Cytogenetic location: 2p24.2.
Variant type: single nucleotide variant.
Coding change: c.1340C>T on transcript NM_001130009.3 (MANE Select); coding-DNA position 1340, C replaced by T.
Protein change: p.Ala447Val; replaces alanine 447 with valine.
Molecular consequence: missense variant.
Genome position (GRCh38, 1-based): chr2:17,780,053, C>T. VCF-style: chr2-17780053-C-T. GRCh37 (hg19) VCF-style: chr2-17961320-C-T.
Other names: c.1340C>T, p.Ala447Val (NM_182625.5); c.1340C>T (NM_001130009.1); short protein forms A447V.
Identifiers: ClinVar variation 1984217 (VCV001984217.5), dbSNP rs774634942, ClinGen allele CA1540744.
Genomic context (GRCh38, chr2:17,780,053, plus strand): 5'-AAGATAAACAACATGGAGAATTTGCTTTATTAACAATTGAGGAAGAATCATTGTTTGAAG[C>T]AGCATATCCTGAGATCGTTGCTGTTTACCAAAAACAAAAGTTAGAAATTAAAGGGAAGAA-3'
Protein context (NP_001123481.3, residues 437-457): LTIEEESLFE[Ala447Val]AYPEIVAVYQ